The following is an entry in ClinVar:

ClinVar aggregate classification (germline): Uncertain significance (1 of 4 stars; one submission).

Conditions:
Gorlin syndrome. Also called: Basal cell nevus syndrome; Nevoid Basal Cell Carcinoma Syndrome. Identifiers: Orphanet 377, MedGen C0004779, MONDO:0007187.

Submission:

Labcorp Genetics (formerly Invitae), Labcorp
Classification: Uncertain significance for Gorlin syndrome. Last evaluated: 2021-06-17. Review status: criteria provided, single submitter. Criteria: Invitae Variant Classification Sherloc (09022015). Collection method: clinical testing. Allele origin: germline.
Comment: This variant has not been reported in the literature in individuals with PTCH1-related conditions. In summary, the available evidence is currently insufficient to determine the role of this variant in disease. Therefore, it has been classified as a Variant of Uncertain Significance. Nucleotide substitutions within the consensus splice site are a relatively common cause of aberrant splicing (PMID: 17576681, 9536098). Algorithms developed to predict the effect of sequence changes on RNA splicing suggest that this variant may disrupt the consensus splice site, but this prediction has not been confirmed by published transcriptional studies. This variant is not present in population databases (ExAC no frequency). This sequence change falls in intron 17 of the PTCH1 gene. It does not directly change the encoded amino acid sequence of the PTCH1 protein. It affects a nucleotide within the consensus splice site of the intron.

Literature cited by the submitters: PubMed 17576681; PubMed 9536098.

NM_000264.5(PTCH1):c.2887+4_2887+7del

Gene: PTCH1 (patched 1; minus strand). Cytogenetic location: 9q22.32.
Variant type: Microsatellite.
Coding change: c.2887+4_2887+7del on transcript NM_000264.5 (MANE Select); bases 4 to 7 of the intron after coding-DNA position 2887, 4 bases deleted (AGTA; older notation c.2887+4_2887+7delAGTA).
Molecular consequence: splice donor variant.
Genome position (GRCh38, 1-based): chr9:95,459,593-95,459,596, TACT deleted on the plus strand (AGTA on the coding strand, the reverse complement: PTCH1 is on the minus strand); deleting any 4 consecutive bases within chr9:95,459,593-95,459,601 gives the same sequence; the c. name uses the placement nearest the transcript's 3' end. VCF-style (leftmost placement, unchanged base first): chr9-95459592-CTACT-C. GRCh37 (hg19) VCF-style: chr9-98221874-CTACT-C.
Other names: c.2884+4_2884+7del (NM_001083603.3); c.2689+4_2689+7del (NM_001083602.3); c.2731+4_2731+7del (NM_001354918.2); c.2434+4_2434+7del (NM_001083605.3, NM_001083604.3, NM_001083606.3 and 1 more transcripts).
Identifiers: ClinVar variation 1361849 (VCV001361849.6), dbSNP rs2136669708, ClinGen allele CA2580616238.
Genomic context (GRCh38, chr9:95,459,592, plus strand): 5'-GCTGAGTTTGGAGAACCAGGGAAGGCACCTCTGTAAGTTCCCAGACCTCCCGATAAAACG[CTACT>C]TACTTCTCAGCCTTGTTTCAGGCATGTAGTCGGCTTTGTCGTGGACCCATTCTGGTCGGT-3'